The following is an entry in ClinVar:

ClinVar aggregate classification (germline): Likely benign. Review status: criteria provided, single submitter (1 of 4 stars). 2 submissions from 2 submitters: Likely benign (1). 1 of the submissions does not count toward it. Last evaluated 2025-09-07.

Conditions:
ARL13B-related disorder. Also called: ARL13B-related condition.
Joubert syndrome 8 (JBTS8). Identifiers: Orphanet 475, MedGen C2676771, MONDO:0012855, OMIM 612291.

Allele frequency attached by ClinVar (database versions not stated): gnomAD exomes below 0.00001; TOPMed below 0.00001; ExAC 0.00001; gnomAD 0.00001.
gnomAD v4.1: 3 of 1,612,932 alleles (0.00019%); highest among the groups gnomAD compares: Non-Finnish European, 0.00025%; no homozygotes.

Submissions (2):

Labcorp Genetics (formerly Invitae), Labcorp
Classification: Likely benign for Joubert syndrome 8. Last evaluated: 2025-09-07. Review status: criteria provided, single submitter. Criteria: Invitae Variant Classification Sherloc (09022015). Collection method: clinical testing. Allele origin: germline.

PreventionGenetics, part of Exact Sciences
Classification: Likely benign for ARL13B-related condition. Last evaluated: 2023-06-20. Review status: no assertion criteria provided. Collection method: clinical testing. Allele origin: germline. Not counted in ClinVar's aggregate classification.
Comment: This variant is classified as likely benign based on ACMG/AMP sequence variant interpretation guidelines (Richards et al. 2015 PMID: 25741868, with internal and published modifications).

NM_001174150.2(ARL13B):c.380+10G>A

Gene: ARL13B (ARF like GTPase 13B; plus strand). Cytogenetic location: 3q11.2.
Variant type: single nucleotide variant.
Coding change: c.380+10G>A on transcript NM_001174150.2 (MANE Select); 10 bases into the intron after coding-DNA position 380, G replaced by A.
Molecular consequence: intron variant.
Genome position (GRCh38, 1-based): chr3:94,003,918, G>A. VCF-style: chr3-94003918-G-A. GRCh37 (hg19) VCF-style: chr3-93722762-G-A.
Other names: c.335+10G>A (NM_001321328.2); c.380+10G>A (NM_182896.3, NM_001410782.1); c.71+10G>A (NM_001174151.2); c.59+23436G>A (NM_144996.4).
Identifiers: ClinVar variation 3036857 (VCV003036857.3), dbSNP rs773010332, ClinGen allele CA2503831.
Genomic context (GRCh38, chr3:94,003,918, plus strand): 5'-TATGTCAGAAATGCTAAGACATCCTAGGATATCGGGAAAGCCTATATTGGTGTAAGTAAT[G>A]TTAGCATCATTGTAAATGTAGGGACGATGGCATTGGCCACTAAAGAAATTTACCTGTTAC-3'